The following is an entry in ClinVar:

ClinVar aggregate classification (germline): Uncertain significance (1 of 4 stars; one submission).

Conditions:
Atrioventricular septal defect 5 (AVSD5). Identifiers: MedGen C3280939, MONDO:0013769, OMIM 614474.

Allele frequency attached by ClinVar (database versions not stated): TOPMed below 0.00001; ExAC 0.00001; gnomAD 0.00001; gnomAD exomes 0.00001; 1000 Genomes Project 30x 0.00016.

Submission:

Labcorp Genetics (formerly Invitae), Labcorp
Classification: Uncertain significance for Atrioventricular septal defect 5. Last evaluated: 2025-06-18. Review status: criteria provided, single submitter. Criteria: Invitae Variant Classification Sherloc (09022015). Collection method: clinical testing. Allele origin: germline.
Comment: This sequence change replaces alanine, which is neutral and non-polar, with serine, which is neutral and polar, at codon 21 of the GATA6 protein (p.Ala21Ser). The frequency data for this variant in the population databases is considered unreliable, as metrics indicate poor data quality at this position in the gnomAD database. This variant has not been reported in the literature in individuals affected with GATA6-related conditions. ClinVar contains an entry for this variant (Variation ID: 1503989). An algorithm developed to predict the effect of missense changes on protein structure and function (PolyPhen-2) suggests that this variant is likely to be tolerated. In summary, the available evidence is currently insufficient to determine the role of this variant in disease. Therefore, it has been classified as a Variant of Uncertain Significance.

NM_005257.6(GATA6):c.61G>T (p.Ala21Ser)

Gene: GATA6 (GATA binding protein 6; plus strand). Cytogenetic location: 18q11.2.
Variant type: single nucleotide variant.
Coding change: c.61G>T on transcript NM_005257.6 (MANE Select); coding-DNA position 61, G replaced by T.
Protein change: p.Ala21Ser; replaces alanine 21 with serine.
Molecular consequence: missense variant.
Genome position (GRCh38, 1-based): chr18:22,171,205, G>T. VCF-style: chr18-22171205-G-T. GRCh37 (hg19) VCF-style: chr18-19751166-G-T.
Other names: short protein forms A21S.
Identifiers: ClinVar variation 1503989 (VCV001503989.8), dbSNP rs752129361, ClinGen allele CA8908800.